The following is an entry in ClinVar:

ClinVar aggregate classification (germline): Uncertain significance. Review status: criteria provided, multiple submitters, no conflicts (2 of 4 stars). 3 submissions from 3 submitters: Uncertain significance (3). Last evaluated 2025-10-02.

Conditions:
Type 2 diabetes mellitus. Also called: Type II diabetes mellitus. Identifiers: MedGen C0011860, MeSH D003924, MONDO:0005148, OMIM 125853, HP:0005978.
Autosomal dominant nonsyndromic hearing loss 6 (LFSNHL). Also called: DEAFNESS, AUTOSOMAL DOMINANT 6; DEAFNESS, AUTOSOMAL DOMINANT 14; DEAFNESS, AUTOSOMAL DOMINANT 38; Autosomal dominant nonsyndromic deafness 6. Identifiers: Orphanet 90635, MedGen C1833021, MONDO:0010963, OMIM 600965.
Wolfram syndrome 1 (WFS1). Identifiers: Orphanet 3463, MedGen C4551693, MONDO:0009101, OMIM 222300.
Wolfram-like syndrome. Also called: HEARING LOSS, PROGRESSIVE, WITH OPTIC ATROPHY AND/OR IMPAIRED GLUCOSE REGULATION. Identifiers: Orphanet 411590, MedGen C3280358, MONDO:0013673, OMIM 614296.
Cataract 41 (CTRCT41). Also called: CATARACT 41, CONGENITAL NUCLEAR TYPE. Identifiers: Orphanet 91492, Orphanet 98991, Orphanet 98992, Orphanet 98995, MedGen C3805412, MONDO:0007287, OMIM 116400.

Allele frequency attached by ClinVar (database versions not stated): 1000 Genomes Project 30x 0.00016; 1000 Genomes Project 0.00020; TOPMed 0.00002; gnomAD exomes 0.00003; ExAC 0.00009.
gnomAD v4.1: 43 of 1,612,902 alleles (0.0027%); highest among the groups gnomAD compares: South Asian, 0.035%; no homozygotes.

Submissions (3):

Labcorp Genetics (formerly Invitae), Labcorp
Classification: Uncertain significance. Last evaluated: 2025-10-02. Review status: criteria provided, single submitter. Criteria: Invitae Variant Classification Sherloc (09022015). Collection method: clinical testing. Allele origin: germline.
Comment: This sequence change replaces aspartic acid, which is acidic and polar, with asparagine, which is neutral and polar, at codon 771 of the WFS1 protein (p.Asp771Asn). This variant is present in population databases (rs534067035, gnomAD 0.04%). This variant has not been reported in the literature in individuals affected with WFS1-related conditions. ClinVar contains an entry for this variant (Variation ID: 2575695). Invitae Evidence Modeling of protein sequence and biophysical properties (such as structural, functional, and spatial information, amino acid conservation, physicochemical variation, residue mobility, and thermodynamic stability) has been performed for this missense variant. However, the output from this modeling did not meet the statistical confidence thresholds required to predict the impact of this variant on WFS1 protein function. In summary, the available evidence is currently insufficient to determine the role of this variant in disease. Therefore, it has been classified as a Variant of Uncertain Significance.

Fulgent Genetics
Classification: Uncertain significance for Cataract 41; Type 2 diabetes mellitus; Wolfram syndrome 1; Autosomal dominant nonsyndromic hearing loss 6; Wolfram-like syndrome. Last evaluated: 2024-05-14. Review status: criteria provided, single submitter. Criteria: ACMG Guidelines, 2015. Collection method: clinical testing. Allele origin: germline.

GeneDx
Classification: Uncertain significance. Last evaluated: 2023-02-14. Review status: criteria provided, single submitter. Criteria: GeneDx Variant Classification Process June 2021. Collection method: clinical testing. Allele origin: germline. Affected: yes.
Comment: Reported in a patient with sensorineural hearing loss in published literature (Kim et al., 2016); this variant is present in both affected and unaffected relatives; In silico analysis supports that this missense variant does not alter protein structure/function; This variant is associated with the following publications: (PMID: 27057829)

NM_006005.3(WFS1):c.2311G>A (p.Asp771Asn)

Gene: WFS1 (wolframin ER transmembrane glycoprotein; plus strand). Cytogenetic location: 4p16.1.
Variant type: single nucleotide variant.
Coding change: c.2311G>A on transcript NM_006005.3 (MANE Select); coding-DNA position 2311, G replaced by A.
Protein change: p.Asp771Asn; replaces aspartic acid 771 with asparagine.
Molecular consequence: missense variant.
Genome position (GRCh38, 1-based): chr4:6,302,106, G>A. VCF-style: chr4-6302106-G-A. GRCh37 (hg19) VCF-style: chr4-6303833-G-A.
Other names: c.2311G>A, p.Asp771Asn (NM_001145853.1); short protein forms D771N.
Identifiers: ClinVar variation 2575695 (VCV002575695.4), dbSNP rs534067035, ClinGen allele CA2839681.